The following is an entry in ClinVar:

ClinVar aggregate classification (germline): Uncertain significance. Review status: criteria provided, multiple submitters, no conflicts (2 of 4 stars). 3 submissions from 3 submitters: Uncertain significance (3). Last evaluated 2026-02-01.

Allele frequency attached by ClinVar (database versions not stated): TOPMed 0.00021; ExAC 0.00001; gnomAD exomes 0.00006; gnomAD 0.00022.
gnomAD v4.1: 66 of 1,612,766 alleles (0.0041%); highest among the groups gnomAD compares: Admixed American, 0.1%; no homozygotes.

Submissions (3):

Labcorp Genetics (formerly Invitae), Labcorp
Classification: Uncertain significance. Last evaluated: 2026-02-01. Review status: criteria provided, single submitter. Criteria: Invitae Variant Classification Sherloc (09022015). Collection method: clinical testing. Allele origin: germline.
Comment: This sequence change replaces methionine, which is neutral and non-polar, with valine, which is neutral and non-polar, at codon 80 of the MYH3 protein (p.Met80Val). This variant is present in population databases (rs760447963, gnomAD 0.04%). This variant has not been reported in the literature in individuals affected with MYH3-related conditions. ClinVar contains an entry for this variant (Variation ID: 1374202). Invitae Evidence Modeling of protein sequence and biophysical properties (such as structural, functional, and spatial information, amino acid conservation, physicochemical variation, residue mobility, and thermodynamic stability) indicates that this missense variant is not expected to disrupt MYH3 protein function with a negative predictive value of 95%. In summary, the available evidence is currently insufficient to determine the role of this variant in disease. Therefore, it has been classified as a Variant of Uncertain Significance.

GeneDx
Classification: Uncertain significance. Last evaluated: 2023-10-27. Review status: criteria provided, single submitter. Criteria: GeneDx Variant Classification Process June 2021. Collection method: clinical testing. Allele origin: germline. Affected: yes.
Comment: In silico analysis supports that this missense variant does not alter protein structure/function; Has not been previously published as pathogenic or benign to our knowledge

Breakthrough Genomics
Classification: Uncertain significance. Review status: criteria provided, single submitter. Criteria: ACMG Guidelines, 2015. Collection method: not provided. Allele origin: germline. Inheritance: Autosomal recessive inheritance. Affected: yes.

NM_002470.4(MYH3):c.238A>G (p.Met80Val)

Gene: MYH3 (myosin heavy chain 3; minus strand). Cytogenetic location: 17p13.1.
Variant type: single nucleotide variant.
Coding change: c.238A>G on transcript NM_002470.4 (MANE Select); coding-DNA position 238, A replaced by G.
Protein change: p.Met80Val; replaces methionine 80 with valine.
Molecular consequence: missense variant.
Genome position (GRCh38, 1-based): chr17:10,652,530, T>C on the plus strand (A>G on the coding strand, the complement: MYH3 is on the minus strand). VCF-style: chr17-10652530-T-C. GRCh37 (hg19) VCF-style: chr17-10555847-T-C.
Other names: c.238A>G (NM_002470.3); short protein forms M80V.
Identifiers: ClinVar variation 1374202 (VCV001374202.8), dbSNP rs760447963, ClinGen allele CA8393367.